The following is an entry in ClinVar:

ClinVar aggregate classification (germline): Uncertain significance. Review status: criteria provided, multiple submitters, no conflicts (2 of 4 stars). 2 submissions from 2 submitters: Uncertain significance (2). Last evaluated 2025-11-08.

Conditions:
Inborn genetic diseases. Identifiers: MedGen C0950123, MeSH D030342.

Allele frequency attached by ClinVar (database versions not stated): TOPMed below 0.00001; ExAC 0.00001; gnomAD 0.00001; gnomAD exomes 0.00002 and 0.00003.
gnomAD v4.1: 41 of 1,612,128 alleles (0.0025%); highest among the groups gnomAD compares: Non-Finnish European, 0.0034%; no homozygotes.

Submissions (2):

Ambry Genetics
Classification: Uncertain significance for Inborn genetic diseases. Last evaluated: 2025-11-08. Review status: criteria provided, single submitter. Criteria: Ambry Variant Classification Scheme 2023. Collection method: clinical testing. Allele origin: germline.

Labcorp Genetics (formerly Invitae), Labcorp
Classification: Uncertain significance. Last evaluated: 2021-07-02. Review status: criteria provided, single submitter. Criteria: Invitae Variant Classification Sherloc (09022015). Collection method: clinical testing. Allele origin: germline.
Comment: This variant is present in population databases (rs566510192, ExAC 0.002%). This variant has not been reported in the literature in individuals affected with DZIP1L-related conditions. Algorithms developed to predict the effect of missense changes on protein structure and function output the following: SIFT: "Tolerated"; PolyPhen-2: "Benign"; Align-GVGD: "Class C0". The valine amino acid residue is found in multiple mammalian species, which suggests that this missense change does not adversely affect protein function. Algorithms developed to predict the effect of sequence changes on RNA splicing suggest that this variant may create or strengthen a splice site. In summary, the available evidence is currently insufficient to determine the role of this variant in disease. Therefore, it has been classified as a Variant of Uncertain Significance. This sequence change replaces alanine with valine at codon 190 of the DZIP1L protein (p.Ala190Val). The alanine residue is weakly conserved and there is a small physicochemical difference between alanine and valine.

NM_173543.3(DZIP1L):c.569C>T (p.Ala190Val)

Gene: DZIP1L (DAZ interacting zinc finger protein 1 like; minus strand). Cytogenetic location: 3q22.3.
Variant type: single nucleotide variant.
Coding change: c.569C>T on transcript NM_173543.3 (MANE Select); coding-DNA position 569, C replaced by T.
Protein change: p.Ala190Val; replaces alanine 190 with valine.
Molecular consequence: missense variant.
Genome position (GRCh38, 1-based): chr3:138,097,780, G>A on the plus strand (C>T on the coding strand, the complement: DZIP1L is on the minus strand). VCF-style: chr3-138097780-G-A. GRCh37 (hg19) VCF-style: chr3-137816622-G-A.
Other names: c.569C>T, p.Ala190Val (NM_001170538.1); c.569C>T (NM_173543.2); short protein forms A190V.
Identifiers: ClinVar variation 1516808 (VCV001516808.9), dbSNP rs566510192, ClinGen allele CA2635237.